The following is an entry in ClinVar:

NM_000395.3(CSF2RB):c.2536C>G (p.Pro846Ala)

Gene: CSF2RB (colony stimulating factor 2 receptor subunit beta; plus strand). Cytogenetic location: 22q12.3.
Variant type: single nucleotide variant.
Coding change: c.2536C>G on transcript NM_000395.3 (MANE Select); coding-DNA position 2536, C replaced by G.
Protein change: p.Pro846Ala; replaces proline 846 with alanine.
Molecular consequence: missense variant.
Genome position (GRCh38, 1-based): chr22:36,938,344, C>G. VCF-style: chr22-36938344-C-G. GRCh37 (hg19) VCF-style: chr22-37334386-C-G.
Other names: short protein forms P846A.
Identifiers: ClinVar variation 1494118 (VCV001494118.8), dbSNP rs1186098513, ClinGen allele CA411411683.

ClinVar aggregate classification (germline): Uncertain significance (1 of 4 stars; one submission).

gnomAD v4.1: 2 of 1,614,212 alleles (0.00012%); highest among the groups gnomAD compares: African/African-American, 0.0013%; no homozygotes.

Submission:

Labcorp Genetics (formerly Invitae), Labcorp
Classification: Uncertain significance. Last evaluated: 2022-03-02. Review status: criteria provided, single submitter. Criteria: Invitae Variant Classification Sherloc (09022015). Collection method: clinical testing. Allele origin: germline.
Comment: In summary, the available evidence is currently insufficient to determine the role of this variant in disease. Therefore, it has been classified as a Variant of Uncertain Significance. Algorithms developed to predict the effect of missense changes on protein structure and function are either unavailable or do not agree on the potential impact of this missense change (SIFT: "Tolerated"; PolyPhen-2: "Probably Damaging"; Align-GVGD: "Class C0"). This variant has not been reported in the literature in individuals affected with CSF2RB-related conditions. This variant is not present in population databases (gnomAD no frequency). This sequence change replaces proline, which is neutral and non-polar, with alanine, which is neutral and non-polar, at codon 846 of the CSF2RB protein (p.Pro846Ala).